The following is an entry in ClinVar:

ClinVar aggregate classification (germline): Benign (1 of 4 stars; one submission).

Allele frequency attached by ClinVar (database versions not stated): gnomAD 0.97630 and 0.97718; TOPMed 0.98018; 1000 Genomes Project 30x 0.99126; 1000 Genomes Project 0.99141.
gnomAD v4.1: 148,799 of 152,254 alleles (98%); highest among the groups gnomAD compares: East Asian, 100%; 72,731 homozygotes.

Submission:

GeneDx
Classification: Benign. Last evaluated: 2018-06-18. Review status: criteria provided, single submitter. Criteria: GeneDx Variant Classification (06012015). Collection method: clinical testing. Allele origin: germline. Affected: yes.
Comment: This variant is considered likely benign or benign based on one or more of the following criteria: it is a conservative change, it occurs at a poorly conserved position in the protein, it is predicted to be benign by multiple in silico algorithms, and/or has population frequency not consistent with disease.

NM_000093.5(COL5A1):c.1390-305C>T

Gene: COL5A1 (collagen type V alpha 1 chain; plus strand). Cytogenetic location: 9q34.3.
Variant type: single nucleotide variant.
Coding change: c.1390-305C>T on transcript NM_000093.5 (MANE Select); 305 bases into the intron before coding-DNA position 1390, C replaced by T.
Molecular consequence: intron variant.
Genome position (GRCh38, 1-based): chr9:134,738,169, C>T. VCF-style: chr9-134738169-C-T. GRCh37 (hg19) VCF-style: chr9-137630015-C-T.
Other names: c.1390-305C>T (NM_001278074.1).
Identifiers: ClinVar variation 683357 (VCV000683357.1), dbSNP rs7031437, ClinGen allele CA13003246.